The following is an entry in ClinVar:

ClinVar aggregate classification (germline): Uncertain significance (1 of 4 stars; one submission).

Submission:

Dasa
Classification: Uncertain significance. Last evaluated: 2025-11-13. Review status: criteria provided, single submitter. Criteria: DASA Assertion Criteria. Collection method: clinical testing. Allele origin: germline.
Comment: NM_016604.4(KDM3B):c.193-2731A>G is an intronic variant. This variant is rare in population databases. Computational prediction algorithms are consistent with a deleterious effect. The currently available literature and clinical evidence are not sufficient to establish a definitive association between this variant and the reported condition. Therefore, this variant is classified as a variant of uncertain significance.

NM_016604.4(KDM3B):c.193-2731A>G

Gene: KDM3B (lysine demethylase 3B; plus strand). Cytogenetic location: 5q31.2.
Variant type: single nucleotide variant.
Coding change: c.193-2731A>G on transcript NM_016604.4 (MANE Select); 2731 bases into the intron before coding-DNA position 193, A replaced by G.
Molecular consequence: intron variant.
Genome position (GRCh38, 1-based): chr5:138,369,943, A>G. VCF-style: chr5-138369943-A-G. GRCh37 (hg19) VCF-style: chr5-137705632-A-G.
Identifiers: ClinVar variation 4886709 (VCV004886709.2).